The following is an entry in ClinVar:

NM_000245.4(MET):c.1948A>T (p.Ser650Cys)

Gene: MET (MET proto-oncogene, receptor tyrosine kinase; plus strand). Cytogenetic location: 7q31.2.
Variant type: single nucleotide variant.
Coding change: c.1948A>T on transcript NM_000245.4 (MANE Select); coding-DNA position 1948, A replaced by T.
Protein change: p.Ser650Cys; replaces serine 650 with cysteine.
Molecular consequence: missense variant.
Genome position (GRCh38, 1-based): chr7:116,757,522, A>T. VCF-style: chr7-116757522-A-T. GRCh37 (hg19) VCF-style: chr7-116397576-A-T.
Other names: c.1948A>T, p.Ser650Cys (NM_001127500.3, NM_001324401.3); c.658A>T, p.Ser220Cys (NM_001324402.2); short protein forms S220C, S650C.
Identifiers: ClinVar variation 3395165 (VCV003395165.1).

ClinVar aggregate classification (germline): Uncertain significance (1 of 4 stars; one submission).

Conditions:
Hereditary cancer-predisposing syndrome. Also called: Hereditary Cancer Syndrome; Tumor predisposition; Hereditary neoplastic syndrome; Neoplastic Syndromes, Hereditary. Identifiers: Orphanet 140162, MedGen C0027672, MeSH D009386, MONDO:0015356.

Submission:

Ambry Genetics
Classification: Uncertain significance for Hereditary cancer-predisposing syndrome. Last evaluated: 2024-10-02. Review status: criteria provided, single submitter. Criteria: Ambry Variant Classification Scheme 2023. Collection method: clinical testing. Allele origin: germline.
Comment: The p.S650C variant (also known as c.1948A>T), located in coding exon 6 of the MET gene, results from an A to T substitution at nucleotide position 1948. The serine at codon 650 is replaced by cysteine, an amino acid with dissimilar properties. This amino acid position is conserved. In addition, this alteration is predicted to be tolerated by in silico analysis. Based on the available evidence, the clinical significance of this variant remains unclear.